The following is an entry in ClinVar:

ClinVar aggregate classification (germline): Uncertain significance (1 of 4 stars; one submission).

Conditions:
Majeed syndrome (MJDS). Also called: LPIN2-Related Majeed Syndrome; CHRONIC RECURRENT MULTIFOCAL OSTEOMYELITIS 1, WITH CONGENITAL DYSERYTHROPOIETIC ANEMIA, WITH OR WITHOUT NEUTROPHILIC DERMATOSIS. Identifiers: Orphanet 77297, MedGen C1864997, MONDO:0012316, OMIM 609628.

Allele frequency attached by ClinVar (database versions not stated): gnomAD exomes below 0.00001; gnomAD 0.00001; TOPMed 0.00001.
gnomAD v4.1: 2 of 1,613,750 alleles (0.00012%); highest among the groups gnomAD compares: African/African-American, 0.0013%; no homozygotes.

Submission:

Labcorp Genetics (formerly Invitae), Labcorp
Classification: Uncertain significance for Majeed syndrome. Last evaluated: 2024-10-25. Review status: criteria provided, single submitter. Criteria: Invitae Variant Classification Sherloc (09022015). Collection method: clinical testing. Allele origin: germline.
Comment: This sequence change replaces methionine, which is neutral and non-polar, with arginine, which is basic and polar, at codon 764 of the LPIN2 protein (p.Met764Arg). This variant is not present in population databases (gnomAD no frequency). This variant has not been reported in the literature in individuals affected with LPIN2-related conditions. ClinVar contains an entry for this variant (Variation ID: 1462226). Invitae Evidence Modeling of protein sequence and biophysical properties (such as structural, functional, and spatial information, amino acid conservation, physicochemical variation, residue mobility, and thermodynamic stability) indicates that this missense variant is expected to disrupt LPIN2 protein function with a positive predictive value of 80%. In summary, the available evidence is currently insufficient to determine the role of this variant in disease. Therefore, it has been classified as a Variant of Uncertain Significance.

NM_001375808.2(LPIN2):c.2291T>G (p.Met764Arg)

Gene: LPIN2 (lipin 2; minus strand). Cytogenetic location: 18p11.31.
Variant type: single nucleotide variant.
Coding change: c.2291T>G on transcript NM_001375808.2 (MANE Select); coding-DNA position 2291, T replaced by G.
Protein change: p.Met764Arg; replaces methionine 764 with arginine.
Molecular consequence: missense variant.
Genome position (GRCh38, 1-based): chr18:2,922,083, A>C on the plus strand (T>G on the coding strand, the complement: LPIN2 is on the minus strand). VCF-style: chr18-2922083-A-C. GRCh37 (hg19) VCF-style: chr18-2922081-A-C.
Other names: c.2291T>G, p.Met764Arg (NM_001375809.1, NM_014646.2); short protein forms M764R.
Identifiers: ClinVar variation 1462226 (VCV001462226.8), dbSNP rs2077063217, ClinGen allele CA401696775.
Genomic context (GRCh38, chr18:2,922,083, plus strand): 5'-GAGGGCTGCCTGCCGGAGAGGTACCTGTGGAAGGCGGAGAACAAGCTGCTGGGGGACAGC[A>C]TCAGGGGGCCCCGGGGCAAGATTGTGCCCTTGTCATTGACCCAGTGCAGGTAGCCACGGG-3'
Protein context (NP_001362737.1, residues 754-774): KGTILPRGPL[Met764Arg]LSPSSLFSAF